The following is an entry in ClinVar:

NM_006506.5(RASA2):c.944A>T (p.Tyr315Phe)

Gene: RASA2 (RAS p21 protein activator 2; plus strand). Cytogenetic location: 3q23.
Variant type: single nucleotide variant.
Coding change: c.944A>T on transcript NM_006506.5 (MANE Select); coding-DNA position 944, A replaced by T.
Protein change: p.Tyr315Phe; replaces tyrosine 315 with phenylalanine.
Molecular consequence: missense variant.
Genome position (GRCh38, 1-based): chr3:141,570,992, A>T. VCF-style: chr3-141570992-A-T. GRCh37 (hg19) VCF-style: chr3-141289834-A-T.
Other names: c.944A>T, p.Tyr315Phe (NM_001303245.3, NM_001303246.3); c.944A>T (NM_006506.2); short protein forms Y315F.
Identifiers: ClinVar variation 1512117 (VCV001512117.9), dbSNP rs915470548, ClinGen allele CA84645958.

ClinVar aggregate classification (germline): Uncertain significance. Review status: criteria provided, multiple submitters, no conflicts (2 of 4 stars). 2 submissions from 2 submitters: Uncertain significance (2). Last evaluated 2025-12-11.

Allele frequency attached by ClinVar (database versions not stated): gnomAD 0.00003 and 0.00004; TOPMed 0.00003.
gnomAD v4.1: 48 of 1,612,548 alleles (0.003%); highest among the groups gnomAD compares: Non-Finnish European, 0.0037%; no homozygotes.

Submissions (2):

Ambry Genetics
Classification: Uncertain significance. Last evaluated: 2025-12-11. Review status: criteria provided, single submitter. Criteria: Ambry Variant Classification Scheme 2023. Collection method: clinical testing. Allele origin: germline.

Labcorp Genetics (formerly Invitae), Labcorp
Classification: Uncertain significance. Last evaluated: 2024-07-24. Review status: criteria provided, single submitter. Criteria: Invitae Variant Classification Sherloc (09022015). Collection method: clinical testing. Allele origin: germline.
Comment: This sequence change replaces tyrosine, which is neutral and polar, with phenylalanine, which is neutral and non-polar, at codon 315 of the RASA2 protein (p.Tyr315Phe). This variant is present in population databases (no rsID available, gnomAD 0.06%). This variant has not been reported in the literature in individuals affected with RASA2-related conditions. ClinVar contains an entry for this variant (Variation ID: 1512117). Advanced modeling of protein sequence and biophysical properties (such as structural, functional, and spatial information, amino acid conservation, physicochemical variation, residue mobility, and thermodynamic stability) performed at Invitae indicates that this missense variant is not expected to disrupt RASA2 protein function with a negative predictive value of 80%. In summary, the available evidence is currently insufficient to determine the role of this variant in disease. Therefore, it has been classified as a Variant of Uncertain Significance.